The following is an entry in ClinVar:

ClinVar aggregate classification (germline): Uncertain significance (1 of 4 stars; one submission).

Conditions:
Inborn genetic diseases. Identifiers: MedGen C0950123, MeSH D030342.

gnomAD v4.1: 1 of 1,614,072 alleles (0.000062%); highest among the groups gnomAD compares: Non-Finnish European, 0.000085%; no homozygotes.

Submission:

Ambry Genetics
Classification: Uncertain significance for Inborn genetic diseases. Last evaluated: 2024-11-05. Review status: criteria provided, single submitter. Criteria: Ambry Variant Classification Scheme 2023. Collection method: clinical testing. Allele origin: germline.
Comment: The p.T506I variant (also known as c.1517C>T), located in coding exon 8 of the LTBP3 gene, results from a C to T substitution at nucleotide position 1517. The threonine at codon 506 is replaced by isoleucine, an amino acid with similar properties. This amino acid position is conserved. In addition, this alteration is predicted to be tolerated by in silico analysis. Based on the available evidence, the clinical significance of this variant remains unclear.

NM_001130144.3(LTBP3):c.1517C>T (p.Thr506Ile)

Gene: LTBP3 (latent transforming growth factor beta binding protein 3; minus strand). Cytogenetic location: 11q13.1.
Variant type: single nucleotide variant.
Coding change: c.1517C>T on transcript NM_001130144.3 (MANE Select); coding-DNA position 1517, C replaced by T.
Protein change: p.Thr506Ile; replaces threonine 506 with isoleucine.
Molecular consequence: missense variant.
Genome position (GRCh38, 1-based): chr11:65,551,986, G>A on the plus strand (C>T on the coding strand, the complement: LTBP3 is on the minus strand). VCF-style: chr11-65551986-G-A. GRCh37 (hg19) VCF-style: chr11-65319457-G-A.
Other names: c.1166C>T, p.Thr389Ile (NM_001164266.1); c.1517C>T, p.Thr506Ile (NM_021070.4); short protein forms T389I, T506I.
Identifiers: ClinVar variation 3541121 (VCV003541121.1).